The following is an entry in ClinVar:

NM_002354.3(EPCAM):c.455C>A (p.Ala152Glu)

Gene: EPCAM (epithelial cell adhesion molecule; plus strand). Cytogenetic location: 2p21.
Variant type: single nucleotide variant.
Coding change: c.455C>A on transcript NM_002354.3 (MANE Select); coding-DNA position 455, C replaced by A.
Protein change: p.Ala152Glu; replaces alanine 152 with glutamic acid.
Molecular consequence: missense variant.
Genome position (GRCh38, 1-based): chr2:47,375,263, C>A. VCF-style: chr2-47375263-C-A. GRCh37 (hg19) VCF-style: chr2-47602402-C-A.
Other names: short protein forms A152E.
Identifiers: ClinVar variation 4813138 (VCV004813138.1).

ClinVar aggregate classification (germline): Uncertain significance (1 of 4 stars; one submission).

Conditions:
Lynch syndrome 8 (LYNCH8). Also called: Colorectal cancer, hereditary nonpolyposis, type 8. Identifiers: Orphanet 144, MedGen C2750471, MONDO:0013196, OMIM 613244.

Submission:

St. Jude Molecular Pathology, St. Jude Children's Research Hospital
Classification: Uncertain significance for Lynch syndrome 8. Last evaluated: 2026-02-11. Review status: criteria provided, single submitter. Criteria: St. Jude Assertion Criteria 2020. Collection method: clinical testing. Allele origin: germline.
Comment: The EPCAM c.455C>A p.(Ala152Glu) missense variant has a maximum subpopulation frequency of 0.006% in gnomAD v2.1.1. The in silico tool REVEL predicts a benign effect on protein function, but to our knowledge this prediction has not been confirmed by functional studies. To our knowledge, this variant has not been reported in individuals with EPCAM-associated conditions. In summary, the evidence currently available is insufficient to determine the clinical significance of this variant. It has therefore been classified as of uncertain significance.